The following is an entry in ClinVar:

ClinVar aggregate classification (germline): Uncertain significance (1 of 4 stars; one submission).

Submission:

Labcorp Genetics (formerly Invitae), Labcorp
Classification: Uncertain significance. Last evaluated: 2022-09-16. Review status: criteria provided, single submitter. Criteria: Invitae Variant Classification Sherloc (09022015). Collection method: clinical testing. Allele origin: germline.
Comment: In summary, the available evidence is currently insufficient to determine the role of this variant in disease. Therefore, it has been classified as a Variant of Uncertain Significance. This sequence change falls in intron 4 of the CYFIP2 gene. It does not directly change the encoded amino acid sequence of the CYFIP2 protein. This variant is not present in population databases (gnomAD no frequency). This variant has not been reported in the literature in individuals affected with CYFIP2-related conditions. Experimental studies and prediction algorithms are not available or were not evaluated, and the effect of this variant on mRNA splicing is currently unknown.

NM_001037333.3(CYFIP2):c.286-9C>G

Gene: CYFIP2 (cytoplasmic FMR1 interacting protein 2; plus strand). Cytogenetic location: 5q33.3.
Variant type: single nucleotide variant.
Coding change: c.286-9C>G on transcript NM_001037333.3 (MANE Select); 9 bases into the intron before coding-DNA position 286, C replaced by G.
Molecular consequence: intron variant.
Genome position (GRCh38, 1-based): chr5:157,296,664, C>G. VCF-style: chr5-157296664-C-G. GRCh37 (hg19) VCF-style: chr5-156723672-C-G.
Other names: c.286-9C>G (NM_001291722.2, NM_014376.4); c.208-9C>G (NM_001291721.2).
Identifiers: ClinVar variation 1993202 (VCV001993202.4), dbSNP rs1758279941, ClinGen allele CA1594110693.